The following is an entry in ClinVar:

ClinVar aggregate classification (germline): Conflicting classifications of pathogenicity. Review status: criteria provided, conflicting classifications (1 of 4 stars). 13 submissions from 13 submitters: Uncertain significance (1); Benign (4); Likely benign (5). 3 of the submissions do not count toward it. Last evaluated 2026-03-01.

Conditions:
NPHS1-related disorder. Also called: NPHS1-related condition.
Finnish congenital nephrotic syndrome (NPHS1). Also called: NEPHROTIC SYNDROME, TYPE 1. Identifiers: Orphanet 839, MedGen C0403399, MONDO:0009732, OMIM 256300.
Focal segmental glomerulosclerosis (FSGS). Also called: Glomerulosclerosis, focal; Focal sclerosis with hyalinosis. Identifiers: MedGen C0017668, MONDO:0100313, HP:0000097. Disease mechanism: loss of function.
Congenital nephrotic syndrome. Also called: Familial nephrotic syndrome. Identifiers: MedGen C3501848, MeSH C535761, MONDO:0002350, HP:0008677.

Allele frequency attached by ClinVar (database versions not stated): 1000 Genomes Project 0.00399; 1000 Genomes Project 30x 0.00422; gnomAD 0.00598 and 0.00600; gnomAD exomes 0.00605 and 0.00822; ExAC 0.00618; TOPMed 0.00631; ESP Exome Variant Server 0.00700.
gnomAD v4.1: 12,899 of 1,614,106 alleles (0.8%); highest among the groups gnomAD compares: Middle Eastern, 1%; 69 homozygotes.

Submissions (13):

CeGaT Center for Human Genetics Tuebingen
Classification: Likely benign. Last evaluated: 2026-03-01. Review status: criteria provided, single submitter. Criteria: CeGaT Center For Human Genetics Tuebingen Variant Classification Criteria Version 2. Collection method: clinical testing. Allele origin: germline. Affected: yes. Observed: 9 variant alleles.
Comment: NPHS1: BP4, BS2

Labcorp Genetics (formerly Invitae), Labcorp
Classification: Benign. Last evaluated: 2026-02-04. Review status: criteria provided, single submitter. Criteria: Invitae Variant Classification Sherloc (09022015). Collection method: clinical testing. Allele origin: germline.

Genome Diagnostics Laboratory, The Hospital for Sick Children
Classification: Likely benign for Focal segmental glomerulosclerosis. Last evaluated: 2022-01-17. Review status: criteria provided, single submitter. Criteria: ACMG Guidelines, 2015. Collection method: clinical testing. Allele origin: germline.

Department of Pathology and Laboratory Medicine, Sinai Health System
Classification: Benign for Finnish congenital nephrotic syndrome. Last evaluated: 2021-07-30. Review status: criteria provided, single submitter. Criteria: ACMG Guidelines, 2015. Collection method: research. Allele origin: germline.

Women's Health and Genetics/Laboratory Corporation of America, LabCorp
Classification: Benign. Last evaluated: 2021-06-11. Review status: criteria provided, single submitter. Criteria: LabCorp Variant Classification Summary - May 2015. Collection method: clinical testing. Allele origin: germline.
Comment: Variant summary: NPHS1 c.563A>T (p.Asn188Ile) results in a non-conservative amino acid change located in the CD80-like, immunoglobulin C2-set domain (IPR013162) of the encoded protein sequence. Four of five in-silico tools predict a benign effect of the variant on protein function. The variant allele was found at a frequency of 0.006 in 251492 control chromosomes, predominantly at a frequency of 0.0093 within the Non-Finnish European subpopulation in the gnomAD database, including 3 homozygotes. The observed variant frequency within Non-Finnish European control individuals in the gnomAD database is approximately 2.8 fold of the estimated maximal expected allele frequency for a pathogenic variant in NPHS1 causing Nephrotic Syndrome, Type 1 phenotype (0.0034), strongly suggesting that the variant is a benign polymorphism found primarily in populations of Non-Finnish European origin. c.563A>T has been reported in the literature in individuals affected with a variety of renal phenotypes such as congenital FSGS (example Koziell_2002), Alport syndrome (example, Gibson_2013, Chatterjee_2013) and in settings of multigene panel testing for pediatric Nephrotic syndrome (example Abid_2018). In families with this variant, a clear lack of segregation of this variant with the underlying clinical phenotype of Alport syndrome attributed to a causative variant in the COL4A5 gene was noted (example, Gibson_2013, Chatterjee_2013). Multiple reports of co-occurrences with other pathogenic variant(s) have been reported (homozygous NPHS2 (436)delA, in two siblings with FSGS, Koziell_2002; COL4A5 c.973G>A, p.Gly325Arg, Gibson_2013; COL4A5 c.3482G>A, p.Gly1161Glu, Chatterjee_2013), providing supporting evidence for a benign role. To our knowledge, no experimental evidence demonstrating an impact on protein function has been reported. Seven clinical diagnostic laboratories have submitted clinical-significance assessments for this variant to ClinVar after 2014 citing a predominant classification of likely benign (n=4)/benign (n=2), VUS (n=1). Based on the evidence outlined above, the variant was classified as benign.

Genome-Nilou Lab
Classification: Likely benign for Finnish congenital nephrotic syndrome. Last evaluated: 2021-05-18. Review status: criteria provided, single submitter. Criteria: ACMG Guidelines, 2015. Collection method: clinical testing. Allele origin: germline. Affected: no.

Mendelics
Classification: Likely benign for Finnish congenital nephrotic syndrome. Last evaluated: 2019-05-28. Review status: criteria provided, single submitter. Criteria: Mendelics Assertion Criteria 2017. Collection method: clinical testing. Allele origin: unknown.

Illumina Laboratory Services, Illumina
Classification: Uncertain significance for Congenital nephrotic syndrome. Last evaluated: 2017-04-27. Review status: criteria provided, single submitter. Criteria: ICSL Variant Classification Criteria 13 December 2019. Collection method: clinical testing. Allele origin: germline.
Comment: This variant was observed as part of a predisposition screen in an ostensibly healthy population. A literature search was performed for the gene, cDNA change, and amino acid change (where applicable). Publications were found based on this search. However, the evidence from the literature, in combination with allele frequency data from public databases where available, was not sufficient to rule this variant in or out of causing disease. Therefore, this variant is classified as a variant of unknown significance.

Athena Diagnostics
Classification: Likely benign. Last evaluated: 2016-09-30. Review status: criteria provided, single submitter. Criteria: Athena Diagnostics Criteria. Collection method: clinical testing. Allele origin: germline.

Eurofins Ntd Llc (ga)
Classification: Benign. Last evaluated: 2015-08-30. Review status: criteria provided, single submitter. Criteria: EGL Classification Definitions 2015. Collection method: clinical testing. Allele origin: germline. Observed: 1 variant allele, 1 heterozygote.

Natera, Inc.
Classification: Likely benign for Finnish congenital nephrotic syndrome. Last evaluated: 2019-11-15. Review status: no assertion criteria provided. Collection method: clinical testing. Allele origin: germline. Not counted in ClinVar's aggregate classification.

PreventionGenetics, part of Exact Sciences
Classification: Likely benign for NPHS1-related condition. Last evaluated: 2019-04-11. Review status: no assertion criteria provided. Collection method: clinical testing. Allele origin: germline. Not counted in ClinVar's aggregate classification.
Comment: This variant is classified as likely benign based on ACMG/AMP sequence variant interpretation guidelines (Richards et al. 2015 PMID: 25741868, with internal and published modifications).

Counsyl
Classification: Likely benign for Finnish congenital nephrotic syndrome. Last evaluated: 2017-02-22. Review status: no assertion criteria provided. Collection method: clinical testing. Allele origin: unknown. Not counted in ClinVar's aggregate classification.

Literature cited by the submitters: PubMed 25349199 (cited by Women's Health and Genetics/Laboratory Corporation of America, LabCorp and Counsyl); PubMed 11854170 (cited by 4 submitters); PubMed 30013592 (cited by Women's Health and Genetics/Laboratory Corporation of America, LabCorp); PubMed 31738409 (cited by Women's Health and Genetics/Laboratory Corporation of America, LabCorp); PubMed 27312921 (cited by Women's Health and Genetics/Laboratory Corporation of America, LabCorp and Counsyl); PubMed 24130771 (cited by 3 submitters); PubMed 24472419 (cited by Women's Health and Genetics/Laboratory Corporation of America, LabCorp and Athena Diagnostics); PubMed 19406966 (cited by 3 submitters); PubMed 19812541 (cited by Athena Diagnostics and Counsyl); PubMed 22565185 (cited by Athena Diagnostics and Counsyl); PubMed 20798252 (cited by Athena Diagnostics); PubMed 26764160 (cited by Athena Diagnostics); PubMed 26248470 (cited by Counsyl); PubMed 26668027 (cited by Counsyl); PubMed 24948143 (cited by Counsyl).

NM_004646.4(NPHS1):c.563A>T (p.Asn188Ile)

Gene: NPHS1 (NPHS1 adhesion molecule, nephrin; minus strand). Cytogenetic location: 19q13.12.
Variant type: single nucleotide variant.
Coding change: c.563A>T on transcript NM_004646.4 (MANE Select); coding-DNA position 563, A replaced by T.
Protein change: p.Asn188Ile; replaces asparagine 188 with isoleucine.
Molecular consequence: missense variant.
Genome position (GRCh38, 1-based): chr19:35,850,409, T>A on the plus strand (A>T on the coding strand, the complement: NPHS1 is on the minus strand). VCF-style: chr19-35850409-T-A. GRCh37 (hg19) VCF-style: chr19-36341311-T-A.
Other names: short protein forms N188I.
Identifiers: ClinVar variation 282372 (VCV000282372.62), dbSNP rs145125791, ClinGen allele CA9390759.